The following is an entry in ClinVar:

NM_020822.3(KCNT1):c.3256G>A (p.Gly1086Arg)

Gene: KCNT1 (potassium sodium-activated channel subfamily T member 1; plus strand). Cytogenetic location: 9q34.3.
Variant type: single nucleotide variant.
Coding change: c.3256G>A on transcript NM_020822.3 (MANE Select); coding-DNA position 3256, G replaced by A.
Protein change: p.Gly1086Arg; replaces glycine 1086 with arginine.
Molecular consequence: missense variant.
Genome position (GRCh38, 1-based): chr9:135,786,275, G>A. VCF-style: chr9-135786275-G-A. GRCh37 (hg19) VCF-style: chr9-138678121-G-A.
Other names: c.3121G>A, p.Gly1041Arg (NM_001272003.2); short protein forms G1086R, G1041R.
Identifiers: ClinVar variation 380825 (VCV000380825.36), dbSNP rs201156458, ClinGen allele CA5327760.

ClinVar aggregate classification (germline): Conflicting classifications of pathogenicity. Review status: criteria provided, conflicting classifications (1 of 4 stars). 6 submissions from 6 submitters: Uncertain significance (1); Benign (1); Likely benign (4). Last evaluated 2026-01-25.

Conditions:
Inborn genetic diseases. Identifiers: MedGen C0950123, MeSH D030342.
Developmental and epileptic encephalopathy, 14 (DEE14). Also called: Early infantile epileptic encephalopathy 14. Identifiers: Orphanet 293181, MedGen C3554195, MONDO:0013989, OMIM 614959.
Autosomal dominant nocturnal frontal lobe epilepsy 5. Also called: Epilepsy, nocturnal frontal lobe, 5; KCNT1-Related Epilepsy; CILIARY DYSKINESIA, PRIMARY, 28, WITHOUT SITUS INVERSUS; CILIARY DYSKINESIA, PRIMARY, 28, WITH SITUS INVERSUS. Identifiers: Orphanet 98784, MedGen C3554306, MONDO:0014002, OMIM 615005.

Allele frequency attached by ClinVar (database versions not stated): gnomAD exomes 0.00015 and 0.00027; ExAC 0.00032; 1000 Genomes Project 30x 0.00078; ESP Exome Variant Server 0.00084; gnomAD 0.00110 and 0.00122; TOPMed 0.00125.
gnomAD v4.1: 400 of 1,609,646 alleles (0.025%); highest among the groups gnomAD compares: African/African-American, 0.38%; no homozygotes.

Submissions (6):

Labcorp Genetics (formerly Invitae), Labcorp
Classification: Likely benign for Autosomal dominant nocturnal frontal lobe epilepsy 5; Developmental and epileptic encephalopathy, 14. Last evaluated: 2026-01-25. Review status: criteria provided, single submitter. Criteria: Invitae Variant Classification Sherloc (09022015). Collection method: clinical testing. Allele origin: germline.

Blueprint Genetics
Classification: Likely benign. Last evaluated: 2024-10-18. Review status: criteria provided, single submitter. Criteria: ACMG Guidelines, 2015. Collection method: clinical testing. Allele origin: germline.

CeGaT Center for Human Genetics Tuebingen
Classification: Likely benign. Last evaluated: 2024-10-01. Review status: criteria provided, single submitter. Criteria: CeGaT Center For Human Genetics Tuebingen Variant Classification Criteria Version 2. Collection method: clinical testing. Allele origin: germline. Affected: yes. Observed: 1 variant allele.
Comment: KCNT1: BP4, BS1

Ambry Genetics
Classification: Likely benign for Inborn genetic diseases. Last evaluated: 2024-06-28. Review status: criteria provided, single submitter. Criteria: Ambry Variant Classification Scheme 2023. Collection method: clinical testing. Allele origin: germline.

Eurofins Ntd Llc (ga)
Classification: Uncertain significance. Last evaluated: 2017-01-26. Review status: criteria provided, single submitter. Criteria: EGL Classification Definitions 2015. Collection method: clinical testing. Allele origin: germline. Observed: 1 variant allele, 1 heterozygote.

GeneDx
Classification: Benign. Last evaluated: 2016-07-19. Review status: criteria provided, single submitter. Criteria: GeneDx Variant Classification (06012015). Collection method: clinical testing. Allele origin: germline. Affected: yes.
Comment: This variant is considered likely benign or benign based on one or more of the following criteria: it is a conservative change, it occurs at a poorly conserved position in the protein, it is predicted to be benign by multiple in silico algorithms, and/or has population frequency not consistent with disease.